The following is an entry in ClinVar:

ClinVar aggregate classification (germline): Uncertain significance (1 of 4 stars; one submission).

Conditions:
Inborn genetic diseases. Identifiers: MedGen C0950123, MeSH D030342.

Submission:

Ambry Genetics
Classification: Uncertain significance for Inborn genetic diseases. Last evaluated: 2025-05-19. Review status: criteria provided, single submitter. Criteria: Ambry Variant Classification Scheme 2023. Collection method: clinical testing. Allele origin: germline.
Comment: The p.M505I variant (also known as c.1515G>A), located in coding exon 11 of the BMPR2 gene, results from a G to A substitution at nucleotide position 1515. The methionine at codon 505 is replaced by isoleucine, an amino acid with highly similar properties. This amino acid position is conserved. In addition, the in silico prediction for this alteration is inconclusive. Based on the available evidence, the clinical significance of this variant remains unclear.

NM_001204.7(BMPR2):c.1515G>A (p.Met505Ile)

Gene: BMPR2 (bone morphogenetic protein receptor type 2; plus strand). Cytogenetic location: 2q33.2.
Variant type: single nucleotide variant.
Coding change: c.1515G>A on transcript NM_001204.7 (MANE Select); coding-DNA position 1515, G replaced by A.
Protein change: p.Met505Ile; replaces methionine 505 with isoleucine.
Molecular consequence: missense variant.
Genome position (GRCh38, 1-based): chr2:202,552,817, G>A. VCF-style: chr2-202552817-G-A. GRCh37 (hg19) VCF-style: chr2-203417540-G-A.
Other names: short protein forms M505I.
Identifiers: ClinVar variation 3992183 (VCV003992183.1).